The following is an entry in ClinVar:

ClinVar aggregate classification (germline): Uncertain significance (1 of 4 stars; one submission).

Conditions:
Hereditary cancer-predisposing syndrome. Also called: Hereditary neoplastic syndrome; Neoplastic Syndromes, Hereditary; Tumor predisposition; Hereditary Cancer Syndrome. Identifiers: Orphanet 140162, MedGen C0027672, MeSH D009386, MONDO:0015356.

Submission:

Ambry Genetics
Classification: Uncertain significance for Hereditary cancer-predisposing syndrome. Last evaluated: 2025-09-10. Review status: criteria provided, single submitter. Criteria: Ambry Variant Classification Scheme 2023. Collection method: clinical testing. Allele origin: germline.
Comment: The p.L472Q variant (also known as c.1415T>A), located in coding exon 11 of the APC gene, results from a T to A substitution at nucleotide position 1415. The leucine at codon 472 is replaced by glutamine, an amino acid with dissimilar properties. This amino acid position is conserved. In addition, in silico predictors for this gene do not accurately predict pathogenicity. Based on the available evidence, the clinical significance of this variant remains unclear.

NM_000038.6(APC):c.1415T>A (p.Leu472Gln)

Gene: APC (APC regulator of Wnt signaling pathway; plus strand). Cytogenetic location: 5q22.2.
Variant type: single nucleotide variant.
Coding change: c.1415T>A on transcript NM_000038.6 (MANE Select); coding-DNA position 1415, T replaced by A.
Protein change: p.Leu472Gln; replaces leucine 472 with glutamine.
Molecular consequence: missense variant.
Genome position (GRCh38, 1-based): chr5:112,827,114, T>A. VCF-style: chr5-112827114-T-A. GRCh37 (hg19) VCF-style: chr5-112162811-T-A.
Other names: c.1394T>A, p.Leu465Gln (NM_001407451.1); c.1385T>A, p.Leu462Gln (NM_001407452.1); c.1238T>A, p.Leu413Gln (NM_001407453.1, NM_001354901.2); c.1166T>A, p.Leu389Gln (NM_001407454.1, NM_001407455.1, NM_001407456.1 and 1 more transcripts); c.1112T>A, p.Leu371Gln (NM_001407458.1, NM_001407459.1, NM_001407460.1 and 1 more transcripts); c.1415T>A, p.Leu472Gln (NM_001127510.3, NM_001354895.2, NM_001407450.1); c.1361T>A, p.Leu454Gln (NM_001127511.3); c.1469T>A, p.Leu490Gln (NM_001354896.2, NM_001407447.1, NM_001407448.1 and 1 more transcripts); and 11 more; short protein forms L454Q, L500Q, L189Q, L381Q, L447Q, L472Q, L482Q, L312Q.
Identifiers: ClinVar variation 4121868 (VCV004121868.1).